The following is an entry in ClinVar:

NM_001190787.3(MCIDAS):c.422A>G (p.Asp141Gly)

Gene: MCIDAS (multiciliate differentiation and DNA synthesis associated cell cycle protein; minus strand). Cytogenetic location: 5q11.2.
Variant type: single nucleotide variant.
Coding change: c.422A>G on transcript NM_001190787.3 (MANE Select); coding-DNA position 422, A replaced by G.
Protein change: p.Asp141Gly; replaces aspartic acid 141 with glycine.
Molecular consequence: missense variant.
Genome position (GRCh38, 1-based): chr5:55,222,360, T>C on the plus strand (A>G on the coding strand, the complement: MCIDAS is on the minus strand). VCF-style: chr5-55222360-T-C. GRCh37 (hg19) VCF-style: chr5-54518188-T-C.
Other names: c.422A>G (NM_001190787.1); short protein forms D141G.
Identifiers: ClinVar variation 1418126 (VCV001418126.7), dbSNP rs759891799, ClinGen allele CA3266574.
Genomic context (GRCh38, chr5:55,222,360, plus strand): 5'-TCCAGTGGCGGGGAGAGGCAGGGCCCGAATGGTGATATGTCGCAAGGAGAGAAGGGGAAG[T>C]CTCCGCTGGCCAGGGTAGGCGACATCATAGAGGATGAGTCTGGAGAAGAGCAGGAGCTGG-3'
Protein context (NP_001177716.1, residues 131-151): SMMSPTLASG[Asp141Gly]FPFSPCDISP

ClinVar aggregate classification (germline): Uncertain significance. Review status: criteria provided, multiple submitters, no conflicts (2 of 4 stars). 2 submissions from 2 submitters: Uncertain significance (2). Last evaluated 2025-12-08.

Conditions:
Inborn genetic diseases. Identifiers: MedGen C0950123, MeSH D030342.
Primary ciliary dyskinesia. Also called: Ciliary dyskinesia. Identifiers: Orphanet 244, MedGen C0008780, MONDO:0016575, HP:0012265.

Allele frequency attached by ClinVar (database versions not stated): ExAC 0.00012.
gnomAD v4.1: 14 of 1,528,178 alleles (0.00092%); highest among the groups gnomAD compares: South Asian, 0.0012%; no homozygotes.

Submissions (2):

Ambry Genetics
Classification: Uncertain significance for Inborn genetic diseases. Last evaluated: 2025-12-08. Review status: criteria provided, single submitter. Criteria: Ambry Variant Classification Scheme 2023. Collection method: clinical testing. Allele origin: germline.

Labcorp Genetics (formerly Invitae), Labcorp
Classification: Uncertain significance for Primary ciliary dyskinesia. Last evaluated: 2022-07-05. Review status: criteria provided, single submitter. Criteria: Invitae Variant Classification Sherloc (09022015). Collection method: clinical testing. Allele origin: germline.
Comment: This variant has not been reported in the literature in individuals affected with MCIDAS-related conditions. This sequence change replaces aspartic acid, which is acidic and polar, with glycine, which is neutral and non-polar, at codon 141 of the MCIDAS protein (p.Asp141Gly). This variant is present in population databases (rs759891799, gnomAD 0.005%). ClinVar contains an entry for this variant (Variation ID: 1418126). Algorithms developed to predict the effect of missense changes on protein structure and function (SIFT, PolyPhen-2, Align-GVGD) all suggest that this variant is likely to be tolerated. In summary, the available evidence is currently insufficient to determine the role of this variant in disease. Therefore, it has been classified as a Variant of Uncertain Significance.